The following is an entry in ClinVar:

ClinVar aggregate classification (germline): Uncertain significance (1 of 4 stars; one submission).

Allele frequency attached by ClinVar (database versions not stated): gnomAD exomes 0.00002; ExAC 0.00006; gnomAD 0.00019; TOPMed 0.00054; 1000 Genomes Project 0.00060; 1000 Genomes Project 30x 0.00062.
gnomAD v4.1: 77 of 1,614,190 alleles (0.0048%); highest among the groups gnomAD compares: Admixed American, 0.073%; no homozygotes.

Submission:

GeneDx
Classification: Uncertain significance. Last evaluated: 2024-10-15. Review status: criteria provided, single submitter. Criteria: GeneDx Variant Classification Process June 2021. Collection method: clinical testing. Allele origin: germline. Affected: yes.
Comment: In silico analysis supports that this missense variant has a deleterious effect on protein structure/function; Has not been previously published as pathogenic or benign to our knowledge

NM_004667.6(HERC2):c.9074G>C (p.Gly3025Ala)

Gene: HERC2 (HECT and RLD domain containing E3 ubiquitin protein ligase 2; minus strand). Cytogenetic location: 15q13.1.
Variant type: single nucleotide variant.
Coding change: c.9074G>C on transcript NM_004667.6 (MANE Select); coding-DNA position 9074, G replaced by C.
Protein change: p.Gly3025Ala; replaces glycine 3025 with alanine.
Molecular consequence: missense variant.
Genome position (GRCh38, 1-based): chr15:28,178,976, C>G on the plus strand (G>C on the coding strand, the complement: HERC2 is on the minus strand). VCF-style: chr15-28178976-C-G. GRCh37 (hg19) VCF-style: chr15-28424122-C-G.
Other names: short protein forms G3025A.
Identifiers: ClinVar variation 1712077 (VCV001712077.4), dbSNP rs200931637, ClinGen allele CA7441271.
Genomic context (GRCh38, chr15:28,178,976, plus strand): 5'-TAGCTGCTGAGAGCTGTGATCTGCCGTGGGATGGGCACCGTCCCGCTGGAAATGCCCAGC[C>G]CCAGCCGGCCATTCGTGGCTTCTCCACAGGCATACACCTTCCCTTCCACAGTCACTGCAA-3'
Protein context (NP_004658.3, residues 3015-3035): ACGEATNGRL[Gly3025Ala]LGISSGTVPI